The following is an entry in ClinVar:

NM_000612.6(IGF2):c.106G>T (p.Glu36Ter)

Genes: IGF2 (insulin like growth factor 2; minus strand), INS-IGF2 (INS-IGF2 readthrough; minus strand). Cytogenetic location: 11p15.5.
Variant type: single nucleotide variant.
Coding change: c.106G>T on transcript NM_000612.6 (MANE Select); coding-DNA position 106, G replaced by T.
Protein change: p.Glu36Ter; replaces glutamic acid 36 with a stop codon.
Molecular consequence: nonsense. On other transcripts: non-coding transcript variant (1).
Genome position (GRCh38, 1-based): chr11:2,135,418, C>A on the plus strand (G>T on the coding strand, the complement: IGF2 is on the minus strand). VCF-style: chr11-2135418-C-A. GRCh37 (hg19) VCF-style: chr11-2156648-C-A.
Other names: c.106G>T, p.Glu36Ter (NM_001007139.6, NM_001291861.3, NM_001291862.3); c.274G>T, p.Glu92Ter (NM_001127598.3); short protein forms E36*, E92*.
Identifiers: ClinVar variation 2446015 (VCV002446015.4), dbSNP rs2495590055, ClinGen allele CA379113887.
Genomic context (GRCh38, chr11:2,135,418, plus strand): 5'-GCTACTTACTGAAGTAGAAGCCGCGGTCCCCACAGACGAACTGGAGGGTGTCCACCAGCT[C>A]CCCGCCGCACAGGGTCTCACTGGGGCGGTAAGCAGCAATGCAGCACGAGGCGAAGGCCAA-3'

ClinVar aggregate classification (germline): Pathogenic/Likely pathogenic. Review status: criteria provided, multiple submitters, no conflicts (2 of 4 stars). 2 submissions from 2 submitters: Pathogenic (1); Likely pathogenic (1). Last evaluated 2023-02-11.

Submissions (2):

Labcorp Genetics (formerly Invitae), Labcorp
Classification: Pathogenic. Last evaluated: 2023-02-11. Review status: criteria provided, single submitter. Criteria: Invitae Variant Classification Sherloc (09022015). Collection method: clinical testing. Allele origin: germline.
Comment: For these reasons, this variant has been classified as Pathogenic. This variant has not been reported in the literature in individuals affected with IGF2-related conditions. This variant is not present in population databases (gnomAD no frequency). This sequence change creates a premature translational stop signal (p.Glu36*) in the IGF2 gene. It is expected to result in an absent or disrupted protein product. Loss-of-function variants in IGF2 are known to be pathogenic (PMID: 26154720, 28489339).

Center for Personalized Medicine, Children's Hospital Los Angeles
Classification: Likely pathogenic. Last evaluated: 2022-12-21. Review status: criteria provided, single submitter. Criteria: ACMG Guidelines, 2015. Collection method: clinical testing. Allele origin: unknown. Affected: yes.

Literature cited by the submitters: PubMed 26154720 (cited by Labcorp Genetics (formerly Invitae), Labcorp); PubMed 28489339 (cited by Labcorp Genetics (formerly Invitae), Labcorp).